The following is an entry in ClinVar:

NM_001048174.2(MUTYH):c.875C>T (p.Ser292Leu)

Gene: MUTYH (mutY DNA glycosylase; minus strand). Cytogenetic location: 1p34.1.
Variant type: single nucleotide variant.
Coding change: c.875C>T on transcript NM_001048174.2 (MANE Select); coding-DNA position 875, C replaced by T.
Protein change: p.Ser292Leu; replaces serine 292 with leucine.
Molecular consequence: missense variant. On other transcripts: non-coding transcript variant (2).
Genome position (GRCh38, 1-based): chr1:45,332,061, G>A on the plus strand (C>T on the coding strand, the complement: MUTYH is on the minus strand). VCF-style: chr1-45332061-G-A. GRCh37 (hg19) VCF-style: chr1-45797733-G-A.
Other names: c.875C>T, p.Ser292Leu (NM_001048171.2, NM_001048173.2, NM_001293195.2); c.878C>T, p.Ser293Leu (NM_001048172.2); c.959C>T, p.Ser320Leu (NM_001128425.2); c.920C>T, p.Ser307Leu (NM_001293190.2); c.908C>T, p.Ser303Leu (NM_001293191.2); c.599C>T, p.Ser200Leu (NM_001293192.2, NM_001293196.2); c.530C>T, p.Ser177Leu (NM_001350650.2, NM_001350651.2); c.950C>T, p.Ser317Leu (NM_012222.3); short protein forms S320L, S177L, S292L, S200L, S317L, S303L, S307L, S293L.
Identifiers: ClinVar variation 483896 (VCV000483896.14), dbSNP rs1553127397, ClinGen allele CA340134141.

ClinVar aggregate classification (germline): Conflicting classifications of pathogenicity. Review status: criteria provided, conflicting classifications (1 of 4 stars). 4 submissions from 4 submitters: Uncertain significance (3); Benign (1). Last evaluated 2026-01-26.

Conditions:
Hereditary cancer-predisposing syndrome. Also called: Hereditary neoplastic syndrome; Hereditary Cancer Syndrome; Neoplastic Syndromes, Hereditary; Tumor predisposition. Identifiers: Orphanet 140162, MedGen C0027672, MeSH D009386, MONDO:0015356.
Familial adenomatous polyposis 2. Also called: MYH-associated polyposis; COLORECTAL ADENOMATOUS POLYPOSIS, AUTOSOMAL RECESSIVE; ADENOMAS, MULTIPLE COLORECTAL, AUTOSOMAL RECESSIVE; MUTYH-related attenuated familial adenomatous polyposis; Adenomas, multiple colorectal; FAP type 2. Identifiers: Orphanet 220460, Orphanet 247798, MedGen C3272841, MONDO:0012041, OMIM 608456.

Allele frequency attached by ClinVar (database versions not stated): gnomAD exomes below 0.00001.
gnomAD v4.1: 1 of 1,614,226 alleles (0.000062%); highest among the groups gnomAD compares: Non-Finnish European, 0.000085%; no homozygotes.

Submissions (4):

Labcorp Genetics (formerly Invitae), Labcorp
Classification: Uncertain significance for Familial adenomatous polyposis 2. Last evaluated: 2026-01-26. Review status: criteria provided, single submitter. Criteria: Invitae Variant Classification Sherloc (09022015). Collection method: clinical testing. Allele origin: germline.
Comment: This sequence change replaces serine, which is neutral and polar, with leucine, which is neutral and non-polar, at codon 320 of the MUTYH protein (p.Ser320Leu). This variant is not present in population databases (gnomAD no frequency). This variant has not been reported in the literature in individuals affected with MUTYH-related conditions. ClinVar contains an entry for this variant (Variation ID: 483896). An algorithm developed to predict the effect of missense changes on protein structure and function (PolyPhen-2) suggests that this variant is likely to be tolerated. In summary, the available evidence is currently insufficient to determine the role of this variant in disease. Therefore, it has been classified as a Variant of Uncertain Significance.

Ambry Genetics
Classification: Benign for Hereditary cancer-predisposing syndrome. Last evaluated: 2025-09-09. Review status: criteria provided, single submitter. Criteria: Ambry Variant Classification Scheme 2023. Collection method: clinical testing. Allele origin: germline.

GeneDx
Classification: Uncertain significance. Last evaluated: 2024-10-09. Review status: criteria provided, single submitter. Criteria: GeneDx Variant Classification Process June 2021. Collection method: clinical testing. Allele origin: germline. Affected: yes.
Comment: Not observed at significant frequency in large population cohorts (gnomAD); In silico analysis indicates that this missense variant does not alter protein structure/function; Has not been previously published as pathogenic or benign to our knowledge; This variant is associated with the following publications: (PMID: 16879101, 20816984)

All of Us Research Program, National Institutes of Health
Classification: Uncertain significance for Familial adenomatous polyposis 2. Last evaluated: 2024-06-09. Review status: criteria provided, single submitter. Criteria: ACMG Guidelines, 2015. Collection method: clinical testing. Allele origin: germline. Inheritance: Autosomal recessive inheritance. Observed: 1 variant allele, 1 heterozygote.
Comment: This missense variant replaces serine with leucine at codon 320 of the MUTYH protein. Computational prediction suggests that this variant may not impact protein structure and function (internally defined REVEL score threshold <= 0.5, PMID: 27666373). To our knowledge, functional studies have not been reported for this variant. This variant has not been reported in individuals affected with hereditary cancer in the literature. This variant has not been identified in the general population by the Genome Aggregation Database (gnomAD). The available evidence is insufficient to determine the role of this variant in disease conclusively. Therefore, this variant is classified as a Variant of Uncertain Significance.

This study involves interpretation of variants in research participants for the purpose of population health screening. Participant phenotype was not available at the time of variant classification. Additional details can be found in publication PMID: 35346344, PMCID: PMC8962531